The following is an entry in ClinVar:

ClinVar aggregate classification (germline): Likely benign. Review status: criteria provided, multiple submitters, no conflicts (2 of 4 stars). 5 submissions from 5 submitters: Likely benign (4). 1 of the submissions does not count toward it. Last evaluated 2025-12-17.

Conditions:
Pulmonary fibrosis and/or bone marrow failure, Telomere-related, 3. Also called: PULMONARY FIBROSIS AND/OR BONE MARROW FAILURE SYNDROME, TELOMERE-RELATED, 3. Identifiers: Orphanet 2032, MedGen C4225346, MONDO:0014613, OMIM 616373.
Dyskeratosis congenita, autosomal recessive 5 (DKCB5). Identifiers: MedGen C3554656, MONDO:0014076, OMIM 615190.
Inborn genetic diseases. Identifiers: MedGen C0950123, MeSH D030342.
Dyskeratosis congenita. Identifiers: Orphanet 1775, MedGen C0265965, MONDO:0015780.

Allele frequency attached by ClinVar (database versions not stated): TOPMed 0.00003; gnomAD 0.00005; 1000 Genomes Project 30x 0.00031; 1000 Genomes Project 0.00040.
gnomAD v4.1: 58 of 1,609,540 alleles (0.0036%); highest among the groups gnomAD compares: Middle Eastern, 0.31%; 1 homozygote.

Submissions (5):

Labcorp Genetics (formerly Invitae), Labcorp
Classification: Likely benign for Dyskeratosis congenita, autosomal recessive 5; Pulmonary fibrosis and/or bone marrow failure, Telomere-related, 3. Last evaluated: 2025-12-17. Review status: criteria provided, single submitter. Criteria: Invitae Variant Classification Sherloc (09022015). Collection method: clinical testing. Allele origin: germline.

CeGaT Center for Human Genetics Tuebingen
Classification: Likely benign. Last evaluated: 2025-10-01. Review status: criteria provided, single submitter. Criteria: CeGaT Center For Human Genetics Tuebingen Variant Classification Criteria Version 2. Collection method: clinical testing. Allele origin: germline. Affected: yes. Observed: 4 variant alleles.
Comment: RTEL1: BP4, BP7

Ambry Genetics
Classification: Likely benign for Inborn genetic diseases. Last evaluated: 2024-10-02. Review status: criteria provided, single submitter. Criteria: Ambry Variant Classification Scheme 2023. Collection method: clinical testing. Allele origin: germline.

Breakthrough Genomics
Classification: Likely benign. Review status: criteria provided, single submitter. Criteria: ACMG Guidelines, 2015. Collection method: not provided. Allele origin: germline. Inheritance: Autosomal recessive inheritance. Affected: yes.

Natera, Inc.
Classification: Uncertain significance for Dyskeratosis congenita. Last evaluated: 2020-01-24. Review status: no assertion criteria provided. Collection method: clinical testing. Allele origin: germline. Not counted in ClinVar's aggregate classification.

NM_001283009.2(RTEL1):c.1863G>A (p.Ala621=)

Genes: RTEL1 (regulator of telomere elongation helicase 1; plus strand), RTEL1-TNFRSF6B (RTEL1-TNFRSF6B readthrough (NMD candidate); plus strand). Cytogenetic location: 20q13.33.
Variant type: single nucleotide variant.
Coding change: c.1863G>A on transcript NM_001283009.2 (MANE Select); coding-DNA position 1863, G replaced by A.
Protein change: p.Ala621=; no amino-acid change (alanine 621 retained).
Molecular consequence: synonymous variant. On other transcripts: non-coding transcript variant (1).
Genome position (GRCh38, 1-based): chr20:63,689,117, G>A. VCF-style: chr20-63689117-G-A. GRCh37 (hg19) VCF-style: chr20-62320470-G-A.
Other names: c.1194G>A, p.Ala398= (NM_001283010.1); c.1863G>A, p.Ala621= (NM_016434.4); c.1935G>A, p.Ala645= (NM_032957.5).
Identifiers: ClinVar variation 775655 (VCV000775655.47), dbSNP rs553627522, ClinGen allele CA9965047.